The following is an entry in ClinVar:

ClinVar aggregate classification (germline): Uncertain significance (1 of 4 stars; one submission).

Conditions:
Bethlem myopathy 1A. Also called: MYOPATHY, BENIGN CONGENITAL, WITH CONTRACTURES; Bethlem myopathy 1; Bethlem Muscular Dystrophy. Identifiers: Orphanet 610, MedGen CN029274, MONDO:0024530, OMIM 158810.

Submission:

Labcorp Genetics (formerly Invitae), Labcorp
Classification: Uncertain significance for Bethlem myopathy 1A. Last evaluated: 2025-11-11. Review status: criteria provided, single submitter. Criteria: Invitae Variant Classification Sherloc (09022015). Collection method: clinical testing. Allele origin: germline.
Comment: This sequence change replaces methionine, which is neutral and non-polar, with threonine, which is neutral and polar, at codon 595 of the COL6A2 protein (p.Met595Thr). This variant is not present in population databases (gnomAD no frequency). This variant has not been reported in the literature in individuals affected with COL6A2-related conditions. Invitae Evidence Modeling of protein sequence and biophysical properties (such as structural, functional, and spatial information, amino acid conservation, physicochemical variation, residue mobility, and thermodynamic stability) has been performed for this missense variant. However, the output from this modeling did not meet the statistical confidence thresholds required to predict the impact of this variant on COL6A2 protein function. In summary, the available evidence is currently insufficient to determine the role of this variant in disease. Therefore, it has been classified as a Variant of Uncertain Significance.

NM_001849.4(COL6A2):c.1784T>C (p.Met595Thr)

Gene: COL6A2 (collagen type VI alpha 2 chain; plus strand). Cytogenetic location: 21q22.3.
Variant type: single nucleotide variant.
Coding change: c.1784T>C on transcript NM_001849.4 (MANE Select); coding-DNA position 1784, T replaced by C.
Protein change: p.Met595Thr; replaces methionine 595 with threonine.
Molecular consequence: missense variant.
Genome position (GRCh38, 1-based): chr21:46,125,279, T>C. VCF-style: chr21-46125279-T-C. GRCh37 (hg19) VCF-style: chr21-47545193-T-C.
Other names: c.1784T>C, p.Met595Thr (NM_058174.3, NM_058175.3); short protein forms M595T.
Identifiers: ClinVar variation 4704284 (VCV004704284.1).
Genomic context (GRCh38, chr21:46,125,279, plus strand): 5'-CTTCTGGGGCCCCGGGGGGACTACCCTGCCTGCCGTGTGCATTGCAGGAGTGTGACGTCA[T>C]GACCTACGTGAGGGAGACCTGCGGGTGCTGCGGTGAGGCACTGCCCACGGCAGGGTCGGG-3'
Protein context (NP_001840.3, residues 585-605): GDPGLTECDV[Met595Thr]TYVRETCGCC